The following is an entry in ClinVar:

ClinVar aggregate classification (germline): Uncertain significance (1 of 4 stars; one submission).

Conditions:
Capillary malformation-arteriovenous malformation syndrome. Also called: Capillary malformation-arteriovenous malformation. Identifiers: Orphanet 137667, MedGen C1842180, MONDO:0012016.

Submission:

Labcorp Genetics (formerly Invitae), Labcorp
Classification: Uncertain significance for Capillary malformation-arteriovenous malformation syndrome. Last evaluated: 2025-10-20. Review status: criteria provided, single submitter. Criteria: Invitae Variant Classification Sherloc (09022015). Collection method: clinical testing. Allele origin: germline.
Comment: This sequence change replaces alanine, which is neutral and non-polar, with threonine, which is neutral and polar, at codon 80 of the RASA1 protein (p.Ala80Thr). This variant is not present in population databases (gnomAD no frequency). This variant has not been reported in the literature in individuals affected with RASA1-related conditions. An algorithm developed to predict the effect of missense changes on protein structure and function outputs the following: PolyPhen-2: "Benign". The threonine amino acid residue is found in multiple mammalian species, which suggests that this missense change does not adversely affect protein function. In summary, the available evidence is currently insufficient to determine the role of this variant in disease. Therefore, it has been classified as a Variant of Uncertain Significance.

NM_002890.3(RASA1):c.238G>A (p.Ala80Thr)

Gene: RASA1 (RAS p21 protein activator 1; plus strand). Cytogenetic location: 5q14.3.
Variant type: single nucleotide variant.
Coding change: c.238G>A on transcript NM_002890.3 (MANE Select); coding-DNA position 238, G replaced by A.
Protein change: p.Ala80Thr; replaces alanine 80 with threonine.
Molecular consequence: missense variant.
Genome position (GRCh38, 1-based): chr5:87,268,689, G>A. VCF-style: chr5-87268689-G-A. GRCh37 (hg19) VCF-style: chr5-86564506-G-A.
Other names: short protein forms A80T.
Identifiers: ClinVar variation 4781855 (VCV004781855.1).